The following is an entry in ClinVar:

NM_000135.4(FANCA):c.1375A>T (p.Thr459Ser)

Gene: FANCA (FA complementation group A; minus strand). Cytogenetic location: 16q24.3.
Variant type: single nucleotide variant.
Coding change: c.1375A>T on transcript NM_000135.4 (MANE Select); coding-DNA position 1375, A replaced by T.
Protein change: p.Thr459Ser; replaces threonine 459 with serine.
Molecular consequence: missense variant.
Genome position (GRCh38, 1-based): chr16:89,784,949, T>A on the plus strand (A>T on the coding strand, the complement: FANCA is on the minus strand). VCF-style: chr16-89784949-T-A. GRCh37 (hg19) VCF-style: chr16-89851357-T-A.
Other names: c.1375A>T, p.Thr459Ser (NM_001286167.3); short protein forms T459S.
Identifiers: ClinVar variation 5036387 (VCV005036387.1).

ClinVar aggregate classification (germline): Uncertain significance (1 of 4 stars; one submission).

Conditions:
Inborn genetic diseases. Identifiers: MedGen C0950123, MeSH D030342.

gnomAD v4.1: 1 of 1,613,930 alleles (0.000062%); highest among the groups gnomAD compares: Non-Finnish European, 0.000085%; no homozygotes.

Submission:

Ambry Genetics
Classification: Uncertain significance for Inborn genetic diseases. Last evaluated: 2026-07-31. Review status: criteria provided, single submitter. Criteria: Ambry Variant Classification Scheme 2023. Collection method: clinical testing. Allele origin: germline.
Comment: The p.T459S variant (also known as c.1375A>T), located in coding exon 15 of the FANCA gene, results from an A to T substitution at nucleotide position 1375. The threonine at codon 459 is replaced by serine, an amino acid with similar properties. This amino acid position is conserved. In addition, this alteration is predicted to be tolerated by in silico analysis. Based on the available evidence, the clinical significance of this variant remains unclear.